The following is an entry in ClinVar:

ClinVar aggregate classification (germline): Uncertain significance (1 of 4 stars; one submission).

Conditions:
Singleton-Merten syndrome 1 (SGMRT1). Also called: Widened medullary cavities of bone, aortic calcification, abnormal dentition, and muscular weakness; Syndrome of widened medullary cavities of the metacarpals and phalanges, aortic calcification and abnormal dentition. Identifiers: Orphanet 85191, MedGen C4225427, MONDO:0024535, OMIM 182250.
Aicardi-Goutieres syndrome 7 (AGS7). Identifiers: Orphanet 51, MedGen C3888244, MONDO:0014367, OMIM 615846.

Submission:

Labcorp Genetics (formerly Invitae), Labcorp
Classification: Uncertain significance for Aicardi-Goutieres syndrome 7; Singleton-Merten syndrome 1. Last evaluated: 2024-08-04. Review status: criteria provided, single submitter. Criteria: Invitae Variant Classification Sherloc (09022015). Collection method: clinical testing. Allele origin: germline.
Comment: This sequence change replaces isoleucine, which is neutral and non-polar, with threonine, which is neutral and polar, at codon 532 of the IFIH1 protein (p.Ile532Thr). This variant is not present in population databases (gnomAD no frequency). This variant has not been reported in the literature in individuals affected with IFIH1-related conditions. Advanced modeling of protein sequence and biophysical properties (such as structural, functional, and spatial information, amino acid conservation, physicochemical variation, residue mobility, and thermodynamic stability) has been performed at Invitae for this missense variant, however the output from this modeling did not meet the statistical confidence thresholds required to predict the impact of this variant on IFIH1 protein function. In summary, the available evidence is currently insufficient to determine the role of this variant in disease. Therefore, it has been classified as a Variant of Uncertain Significance.

NM_022168.4(IFIH1):c.1595T>C (p.Ile532Thr)

Gene: IFIH1 (interferon induced with helicase C domain 1; minus strand). Cytogenetic location: 2q24.2.
Variant type: single nucleotide variant.
Coding change: c.1595T>C on transcript NM_022168.4 (MANE Select); coding-DNA position 1595, T replaced by C.
Protein change: p.Ile532Thr; replaces isoleucine 532 with threonine.
Molecular consequence: missense variant.
Genome position (GRCh38, 1-based): chr2:162,280,042, A>G on the plus strand (T>C on the coding strand, the complement: IFIH1 is on the minus strand). VCF-style: chr2-162280042-A-G. GRCh37 (hg19) VCF-style: chr2-163136552-A-G.
Other names: short protein forms I532T.
Identifiers: ClinVar variation 3753628 (VCV003753628.2).